The following is an entry in ClinVar:

NM_015365.3(AMMECR1):c.305C>T (p.Ala102Val)

Gene: AMMECR1 (AMMECR nuclear protein 1; minus strand). Cytogenetic location: Xq23.
Variant type: single nucleotide variant.
Coding change: c.305C>T on transcript NM_015365.3 (MANE Select); coding-DNA position 305, C replaced by T.
Protein change: p.Ala102Val; replaces alanine 102 with valine.
Molecular consequence: missense variant. On other transcripts: 5 prime UTR variant (1).
Genome position (GRCh38, 1-based): chrX:110,317,767, G>A on the plus strand (C>T on the coding strand, the complement: AMMECR1 is on the minus strand). VCF-style: chrX-110317767-G-A. GRCh37 (hg19) VCF-style: chrX-109560995-G-A.
Other names: c.305C>T, p.Ala102Val (NM_001025580.2); c.-65C>T (NM_001171689.2); short protein forms A102V.
Identifiers: ClinVar variation 2629107 (VCV002629107.2), dbSNP rs1247385721, ClinGen allele CA414223377.

ClinVar aggregate classification (germline): Uncertain significance (1 of 4 stars; one submission).

Conditions:
AMMECR1-related disorder. Also called: AMMECR1-related condition.

Allele frequency attached by ClinVar (database versions not stated): TOPMed 0.00001; gnomAD exomes 0.00002; gnomAD 0.00001.
gnomAD v4.1: 28 of 1,178,678 alleles (0.0024%); highest among the groups gnomAD compares: Middle Eastern, 0.024%; no homozygotes.

Submission:

PreventionGenetics, part of Exact Sciences
Classification: Uncertain significance for AMMECR1-related condition. Last evaluated: 2025-12-10. Review status: criteria provided, single submitter. Criteria: ACMG Guidelines, 2015. Collection method: clinical testing. Allele origin: germline.
Comment: The AMMECR1 c.305C>T variant is predicted to result in the amino acid substitution p.Ala102Val. To our knowledge, this variant has not been reported in the literature. This variant is reported in 0.0093% of alleles in individuals of Latino descent in gnomAD. At this time, the clinical significance of this variant is uncertain due to the absence of conclusive functional and genetic evidence.